The following is an entry in ClinVar:

NM_024642.5(GALNT12):c.647C>T (p.Ala216Val)

Gene: GALNT12 (polypeptide N-acetylgalactosaminyltransferase 12; plus strand). Cytogenetic location: 9q22.33.
Variant type: single nucleotide variant.
Coding change: c.647C>T on transcript NM_024642.5 (MANE Select); coding-DNA position 647, C replaced by T.
Protein change: p.Ala216Val; replaces alanine 216 with valine.
Molecular consequence: missense variant.
Genome position (GRCh38, 1-based): chr9:98,826,857, C>T. VCF-style: chr9-98826857-C-T. GRCh37 (hg19) VCF-style: chr9-101589139-C-T.
Other names: short protein forms A216V.
Identifiers: ClinVar variation 1753743 (VCV001753743.4), dbSNP rs1199314497, ClinGen allele CA374217581.

ClinVar aggregate classification (germline): Uncertain significance (1 of 4 stars; one submission).

Allele frequency attached by ClinVar (database versions not stated): gnomAD exomes 0.00002; TOPMed 0.00001.
gnomAD v4.1: 25 of 1,605,630 alleles (0.0016%); highest among the groups gnomAD compares: Non-Finnish European, 0.0021%; no homozygotes.

Submission:

Ambry Genetics
Classification: Uncertain significance. Last evaluated: 2025-04-17. Review status: criteria provided, single submitter. Criteria: Ambry Variant Classification Scheme 2023. Collection method: clinical testing. Allele origin: germline.
Comment: The p.A216V variant (also known as c.647C>T), located in coding exon 3 of the GALNT12 gene, results from a C to T substitution at nucleotide position 647. The alanine at codon 216 is replaced by valine, an amino acid with similar properties. This amino acid position is highly conserved in available vertebrate species. In addition, this alteration is predicted to be deleterious by in silico analysis. Since supporting evidence is limited at this time, the clinical significance of this alteration remains unclear.